The following is an entry in ClinVar:

NM_032578.4(MYPN):c.903-6361G>A

Gene: MYPN (myopalladin; plus strand). Cytogenetic location: 10q21.3.
Variant type: single nucleotide variant.
Coding change: c.903-6361G>A on transcript NM_032578.4 (MANE Select); 6361 bases into the intron before coding-DNA position 903, G replaced by A.
Molecular consequence: intron variant.
Genome position (GRCh38, 1-based): chr10:68,136,579, G>A. VCF-style: chr10-68136579-G-A. GRCh37 (hg19) VCF-style: chr10-69896336-G-A.
Other names: c.903-6361G>A (NM_001256267.2); c.-112-21G>A (NM_001256268.2).
Identifiers: ClinVar variation 670012 (VCV000670012.2), dbSNP rs12221035, ClinGen allele CA13322358.

ClinVar aggregate classification (germline): Benign. Review status: criteria provided, multiple submitters, no conflicts (2 of 4 stars). 2 submissions from 2 submitters: Benign (2). Last evaluated 2018-06-14.

Allele frequency attached by ClinVar (database versions not stated): TOPMed 0.09115; gnomAD 0.09396 and 0.09851; 1000 Genomes Project 30x 0.13835; 1000 Genomes Project 0.14696.
gnomAD v4.1: 154,076 of 1,488,664 alleles (10%); highest among the groups gnomAD compares: East Asian, 41%; 10,857 homozygotes.

Submissions (2):

GeneDx
Classification: Benign. Last evaluated: 2018-06-14. Review status: criteria provided, single submitter. Criteria: GeneDx Variant Classification (06012015). Collection method: clinical testing. Allele origin: germline. Affected: yes.
Comment: This variant is considered likely benign or benign based on one or more of the following criteria: it is a conservative change, it occurs at a poorly conserved position in the protein, it is predicted to be benign by multiple in silico algorithms, and/or has population frequency not consistent with disease.

Breakthrough Genomics
Classification: Benign. Review status: criteria provided, single submitter. Criteria: ACMG Guidelines, 2015. Collection method: not provided. Allele origin: germline. Inheritance: Autosomal recessive inheritance. Affected: yes.